The following is an entry in ClinVar:

NM_000260.4(MYO7A):c.2506C>T (p.Arg836Cys)

Gene: MYO7A (myosin VIIA; plus strand). Cytogenetic location: 11q13.5.
Variant type: single nucleotide variant.
Coding change: c.2506C>T on transcript NM_000260.4 (MANE Select); coding-DNA position 2506, C replaced by T.
Protein change: p.Arg836Cys; replaces arginine 836 with cysteine.
Molecular consequence: missense variant.
Genome position (GRCh38, 1-based): chr11:77,179,873, C>T. VCF-style: chr11-77179873-C-T. GRCh37 (hg19) VCF-style: chr11-76890919-C-T.
Other names: c.2506C>T, p.Arg836Cys (NM_001127180.2); c.2473C>T, p.Arg825Cys (NM_001369365.1); short protein forms R836C, R825C.
Identifiers: ClinVar variation 229003 (VCV000229003.55), dbSNP rs375510570, ClinGen allele CA6197855.

ClinVar aggregate classification (germline): Conflicting classifications of pathogenicity. Review status: criteria provided, conflicting classifications (1 of 4 stars). 13 submissions from 11 submitters: Uncertain significance (5); Likely benign (4). 4 of the submissions do not count toward it. Last evaluated 2026-08-21.

Conditions:
MYO7A-related disorder. Also called: MYO7A-related disorders.
Autosomal dominant nonsyndromic hearing loss 11. Identifiers: Orphanet 90635, MedGen C1832475, MONDO:0011032, OMIM 601317.
Autosomal recessive nonsyndromic hearing loss 2. Also called: NEUROSENSORY NONSYNDROMIC RECESSIVE DEAFNESS 2; DEAFNESS, AUTOSOMAL RECESSIVE 2. Identifiers: Orphanet 90636, MedGen C1838701, MONDO:0010807, OMIM 600060.
Usher syndrome type 1B (USH1B). Also called: Usher syndrome type IB. Identifiers: MedGen C1848638, MONDO:0700087.
Usher syndrome type 1 (USH1). Also called: RETINITIS PIGMENTOSA AND CONGENITAL DEAFNESS. Identifiers: Orphanet 231169, Orphanet 886, MedGen C1568247, MONDO:0010168, OMIM 276900.

Allele frequency attached by ClinVar (database versions not stated): gnomAD exomes 0.00032 and 0.00061; gnomAD 0.00040; TOPMed 0.00045; ESP Exome Variant Server 0.00046; ExAC 0.00133.
gnomAD v4.1: 528 of 1,540,992 alleles (0.034%); highest among the groups gnomAD compares: Middle Eastern, 0.096%; 1 homozygote.

Submissions (13):

GeneDx
Classification: Uncertain significance. Last evaluated: 2026-08-21. Review status: criteria provided, single submitter. Criteria: GeneDx Variant Classification Process June 2021. Collection method: clinical testing. Allele origin: germline.
Comment: Observed heterozygous in a patient with Best vitelliform macular dystrophy in published literature, but the patient did not have hearing loss (PMID: 38927702); In silico analysis supports that this missense variant has a deleterious effect on protein structure/function; This variant is associated with the following publications: (PMID: 34391192, 38927702)

Labcorp Genetics (formerly Invitae), Labcorp
Classification: Likely benign. Last evaluated: 2026-01-09. Review status: criteria provided, single submitter. Criteria: Invitae Variant Classification Sherloc (09022015). Collection method: clinical testing. Allele origin: germline.

PreventionGenetics, part of Exact Sciences
Classification: Likely benign for MYO7A-related condition. Last evaluated: 2025-01-30. Review status: criteria provided, single submitter. Criteria: ACMG Guidelines, 2015. Collection method: clinical testing. Allele origin: germline.
Comment: This variant is classified as likely benign based on ACMG/AMP sequence variant interpretation guidelines (Richards et al. 2015 PMID: 25741868, with internal and published modifications).

Blueprint Genetics
Classification: Likely benign. Last evaluated: 2024-11-22. Review status: criteria provided, single submitter. Criteria: ACMG Guidelines, 2015. Collection method: clinical testing. Allele origin: germline.

CeGaT Center for Human Genetics Tuebingen
Classification: Uncertain significance. Last evaluated: 2022-06-01. Review status: criteria provided, single submitter. Criteria: CeGaT Center For Human Genetics Tuebingen Variant Classification Criteria Version 2. Collection method: clinical testing. Allele origin: germline. Affected: yes. Observed: 1 variant allele.
Comment: MYO7A: PP3

Illumina Laboratory Services, Illumina
Classification: Likely benign for Autosomal dominant nonsyndromic hearing loss 11. Last evaluated: 2018-01-12. Review status: criteria provided, single submitter. Criteria: ICSL Variant Classification Criteria 13 December 2019. Collection method: clinical testing. Allele origin: germline.
Comment: This variant was observed in the ICSL laboratory as part of a predisposition screen in an ostensibly healthy population. It had not been previously curated by ICSL or reported in the Human Gene Mutation Database (HGMD: prior to June 1st, 2018), and was therefore a candidate for classification through an automated scoring system. Utilizing variant allele frequency, disease prevalence and penetrance estimates, and inheritance mode, an automated score was calculated to assess if this variant is too frequent to cause the disease. Based on the score and internal cut-off values, a variant classified as likely benign is not then subjected to further curation. The score for this variant resulted in a classification of likely benign for this disease.

Illumina Laboratory Services, Illumina
Classification: Uncertain significance for Autosomal recessive nonsyndromic hearing loss 2. Last evaluated: 2018-01-12. Review status: criteria provided, single submitter. Criteria: ICSL Variant Classification Criteria 13 December 2019. Collection method: clinical testing. Allele origin: germline.

Illumina Laboratory Services, Illumina
Classification: Uncertain significance for Usher syndrome type 1. Last evaluated: 2018-01-12. Review status: criteria provided, single submitter. Criteria: ICSL Variant Classification Criteria 13 December 2019. Collection method: clinical testing. Allele origin: germline.

Laboratory for Molecular Medicine, Mass General Brigham Personalized Medicine
Classification: Uncertain significance. Last evaluated: 2016-04-03. Review status: criteria provided, single submitter. Criteria: LMM Criteria. Collection method: clinical testing. Allele origin: germline. Observed: 2 variant alleles.
Comment: The p.Arg836Cys variant in MYO7A has not been previously reported in individuals with hearing loss, but has been identified in 0.3% (14/4106) of European chromo somes by the Exome Aggregation Consortium (ExAC; dbSNP rs375510570). Although this variant has been seen in the general populati on, its frequency is not high enough to rule out a pathogenic role. Computationa l prediction tools and conservation analyses suggest the variant may impact the protein, though this data is not sufficient to determine pathogenicity. In summa ry, the clinical significance of the p.Arg836Cys variant is uncertain.

Natera, Inc.
Classification: Uncertain significance for Usher syndrome type 1B. Last evaluated: 2020-04-16. Review status: no assertion criteria provided. Collection method: clinical testing. Allele origin: germline. Not counted in ClinVar's aggregate classification.

Clinical Genetics DNA and cytogenetics Diagnostics Lab, Erasmus MC, Erasmus Medical Center
Classification: Uncertain significance. Review status: no assertion criteria provided. Collection method: clinical testing. Allele origin: germline. Affected: yes. Study: VKGL Data-share Consensus. Not counted in ClinVar's aggregate classification.

Clinical Genetics, Academic Medical Center
Classification: Uncertain significance. Review status: no assertion criteria provided. Collection method: clinical testing. Allele origin: germline. Affected: yes. Study: VKGL Data-share Consensus. Not counted in ClinVar's aggregate classification.

Laboratory of Diagnostic Genome Analysis, Leiden University Medical Center (LUMC)
Classification: Uncertain significance. Review status: no assertion criteria provided. Collection method: clinical testing. Allele origin: germline. Affected: yes. Study: VKGL Data-share Consensus. Not counted in ClinVar's aggregate classification.